The following is an entry in ClinVar:

ClinVar aggregate classification (germline): Pathogenic (1 of 4 stars; one submission).

Conditions:
Heart defect - tongue hamartoma - polysyndactyly syndrome. Also called: Congenital heart defects, hamartomas of tongue, and polysyndactyly. Identifiers: Orphanet 1338, MedGen C1857587, MONDO:0009008, OMIM 217085.
Bardet-Biedl syndrome 15 (BBS15). Identifiers: Orphanet 110, MedGen C3150127, MONDO:0014443, OMIM 615992.

Submission:

Fulgent Genetics
Classification: Pathogenic for Heart defect - tongue hamartoma - polysyndactyly syndrome; Bardet-Biedl syndrome 15. Last evaluated: 2021-06-30. Review status: criteria provided, single submitter. Criteria: ACMG Guidelines, 2015. Collection method: clinical testing. Allele origin: unknown.
Comment: This variant has been detected in individual(s) who were sent for testing of Renasight - kidney gene panel.

NM_015910.7(WDPCP):c.1809_1812+6del

Gene: WDPCP (WD repeat containing planar cell polarity effector; minus strand). Cytogenetic location: 2p15.
Variant type: Deletion.
Coding change: c.1809_1812+6del on transcript NM_015910.7 (MANE Select); coding-DNA position 1809 through 6 bases into the intron after coding-DNA position 1812, 10 bases deleted (TATGGTGAGT; older notation c.1809_1812+6delTATGGTGAGT).
Molecular consequence: splice donor variant.
Genome position (GRCh38, 1-based): chr2:63,313,242-63,313,251, ACTCACCATA deleted on the plus strand (TATGGTGAGT on the coding strand, the reverse complement: WDPCP is on the minus strand); deleting any 10 consecutive bases within chr2:63,313,242-63,313,252 gives the same sequence; the c. name uses the placement nearest the transcript's 3' end. VCF-style (leftmost placement, unchanged base first): chr2-63313241-GACTCACCATA-G. GRCh37 (hg19) VCF-style: chr2-63540376-GACTCACCATA-G.
Other names: c.1737_1740+6del (NM_001354044.2); c.1332_1335+6del (NM_001042692.3).
Identifiers: ClinVar variation 1179146 (VCV001179146.2), dbSNP rs2103953112, ClinGen allele CA2499216178.
Genomic context (GRCh38, chr2:63,313,241, plus strand): 5'-TGGTCACAAAAGCTGACAACTTAGCCTTAGAACTGAAGGCACAAAATCATCTCTGAAAAT[GACTCACCATA>G]AAGAGGTCACGAGCACCAACGTCAACAGCTAGGAGAAATGCCTTTTCAAACCTCTGGTAC-3'